The following is an entry in ClinVar:

NM_030653.4(DDX11):c.1138G>T (p.Ala380Ser)

Gene: DDX11 (DEAD/H-box helicase 11; plus strand). Cytogenetic location: 12p11.21.
Variant type: single nucleotide variant.
Coding change: c.1138G>T on transcript NM_030653.4 (MANE Select); coding-DNA position 1138, G replaced by T.
Protein change: p.Ala380Ser; replaces alanine 380 with serine.
Molecular consequence: missense variant. On other transcripts: non-coding transcript variant (4).
Genome position (GRCh38, 1-based): chr12:31,091,767, G>T. VCF-style: chr12-31091767-G-T. GRCh37 (hg19) VCF-style: chr12-31244701-G-T.
Other names: c.1138G>T, p.Ala380Ser (NM_001257144.2, NM_001413692.1, NM_001413693.1 and 5 more transcripts); c.1060G>T, p.Ala354Ser (NM_001257145.2, NM_001413697.1, NM_001413698.1 and 1 more transcripts); c.1051G>T, p.Ala351Ser (NM_001413700.1); c.610G>T, p.Ala204Ser (NM_001413702.1, NM_001413703.1); c.277G>T, p.Ala93Ser (NM_001413704.1, NM_001413705.1); c.172G>T, p.Ala58Ser (NM_001413706.1); short protein forms A204S, A58S, A351S, A93S, A354S, A380S.
Identifiers: ClinVar variation 4617074 (VCV004617074.2).

ClinVar aggregate classification (germline): Uncertain significance. Review status: criteria provided, multiple submitters, no conflicts (2 of 4 stars). 2 submissions from 2 submitters: Uncertain significance (2). Last evaluated 2026-02-09.

Conditions:
Inborn genetic diseases. Identifiers: MedGen C0950123, MeSH D030342.

gnomAD v4.1: 2 of 1,613,770 alleles (0.00012%); highest among the groups gnomAD compares: Admixed American, 0.0033%; no homozygotes.

Submissions (2):

GeneDx
Classification: Uncertain significance. Last evaluated: 2026-02-09. Review status: criteria provided, single submitter. Criteria: GeneDx Variant Classification Process June 2021. Collection method: clinical testing. Allele origin: germline.
Comment: Not observed at significant frequency in large population cohorts (gnomAD); In silico analysis supports that this missense variant does not alter protein structure/function; Has not been previously published as pathogenic or benign to our knowledge

Ambry Genetics
Classification: Uncertain significance for Inborn genetic diseases. Last evaluated: 2025-10-18. Review status: criteria provided, single submitter. Criteria: Ambry Variant Classification Scheme 2023. Collection method: clinical testing. Allele origin: germline.